The following is an entry in ClinVar:

ClinVar aggregate classification (germline): Pathogenic (1 of 4 stars; one submission).

Conditions:
Rare genetic deafness. Identifiers: Orphanet 96210, MedGen C5680250.

Submission:

Laboratory for Molecular Medicine, Mass General Brigham Personalized Medicine
Classification: Pathogenic for Rare genetic deafness. Last evaluated: 2013-01-25. Review status: criteria provided, single submitter. Criteria: LMM Criteria. Collection method: clinical testing. Allele origin: germline. Inheritance: Autosomal recessive inheritance. Observed: 1 variant allele.
Comment: The Tyr3751X variant in GPR98 has not been reported in the literature nor previo usly identified by our laboratory. This nonsense variant leads to a premature te rmination codon at position 3751, which is predicted to lead to a truncated or a bsent protein. In summary, this variant meets our criteria to be classified as p athogenic.

NM_032119.4(ADGRV1):c.11253C>G (p.Tyr3751Ter)

Gene: ADGRV1 (adhesion G protein-coupled receptor V1; plus strand). Cytogenetic location: 5q14.3.
Variant type: single nucleotide variant.
Coding change: c.11253C>G on transcript NM_032119.4 (MANE Select); coding-DNA position 11253, C replaced by G.
Protein change: p.Tyr3751Ter; replaces tyrosine 3751 with a stop codon.
Molecular consequence: nonsense. On other transcripts: non-coding transcript variant (1).
Genome position (GRCh38, 1-based): chr5:90,753,705, C>G. VCF-style: chr5-90753705-C-G. GRCh37 (hg19) VCF-style: chr5-90049522-C-G.
Other names: short protein forms Y3751*.
Identifiers: ClinVar variation 46254 (VCV000046254.4), dbSNP rs376689763, ClinGen allele CA261831.